The following is an entry in ClinVar:

NM_033004.4(NLRP1):c.1531A>G (p.Lys511Glu)

Gene: NLRP1 (NLR family pyrin domain containing 1; minus strand). Cytogenetic location: 17p13.2.
Variant type: single nucleotide variant.
Coding change: c.1531A>G on transcript NM_033004.4 (MANE Select); coding-DNA position 1531, A replaced by G.
Protein change: p.Lys511Glu; replaces lysine 511 with glutamic acid.
Molecular consequence: missense variant.
Genome position (GRCh38, 1-based): chr17:5,559,165, T>C on the plus strand (A>G on the coding strand, the complement: NLRP1 is on the minus strand). VCF-style: chr17-5559165-T-C. GRCh37 (hg19) VCF-style: chr17-5462485-T-C.
Other names: p.Lys511Glu; c.1531A>G (NM_033004.3); c.1531A>G, p.Lys511Glu (NM_001033053.3, NM_014922.5, NM_033006.4 and 1 more transcripts); short protein forms K511E.
Identifiers: ClinVar variation 624090 (VCV000624090.56), dbSNP rs202109570, ClinGen allele CA8327358.
Genomic context (GRCh38, chr17:5,559,165, plus strand): 5'-TCAGGCAAGTGCAGGCCAGCCAGGACACCCAGGGCACAAGACACAGGGCCCAGAGCTCTT[T>C]GTTTGATTTGACCAACCTAAAGGCTCTAATTGCTTGCCTTTCATCTGTGAAATATCTGTA-3'
Protein context (NP_127497.1, residues 501-521): IRAFRLVKSN[Lys511Glu]ELWALCLVPW

ClinVar aggregate classification (germline): Uncertain significance. Review status: criteria provided, multiple submitters, no conflicts (2 of 4 stars). 6 submissions from 6 submitters: Uncertain significance (6). Last evaluated 2026-02-17.

Conditions:
Inborn genetic diseases. Identifiers: MedGen C0950123, MeSH D030342.
NLRP1-related disorder. Also called: NLRP1-related condition.

Allele frequency attached by ClinVar (database versions not stated): TOPMed 0.00007; gnomAD 0.00009 and 0.00010; gnomAD exomes 0.00009 and 0.00011; ExAC 0.00021; ESP Exome Variant Server 0.00023.

Submissions (6):

Women's Health and Genetics/Laboratory Corporation of America, LabCorp
Classification: Uncertain significance. Last evaluated: 2026-02-17. Review status: criteria provided, single submitter. Criteria: LabCorp Variant Classification Summary - May 2015. Collection method: clinical testing. Allele origin: germline.
Comment: Variant summary: NLRP1 c.1531A>G (p.Lys511Glu) results in a conservative amino acid change in the encoded protein sequence. Algorithms developed to predict the effect of missense changes on protein structure and function all suggest that this variant is likely to be tolerated. The variant allele was found at a frequency of 0.00011 in 251476 control chromosomes. This frequency is not significantly higher than estimated for disease-causing variants in NLRP1, allowing no conclusion about variant significance. c.1531A>G has been observed in an individual affected with keratoconus (Lombardo_2024). This report does not provide unequivocal conclusions about association of the variant with NLRP1-related conditions. To our knowledge, no experimental evidence demonstrating an impact on protein function has been reported. The following publication has been ascertained in the context of this evaluation (PMID: 38684849). ClinVar contains an entry for this variant (Variation ID: 624090). Based on the evidence outlined above, the variant was classified as uncertain significance.

Labcorp Genetics (formerly Invitae), Labcorp
Classification: Uncertain significance. Last evaluated: 2026-01-06. Review status: criteria provided, single submitter. Criteria: Invitae Variant Classification Sherloc (09022015). Collection method: clinical testing. Allele origin: germline.
Comment: This sequence change replaces lysine, which is basic and polar, with glutamic acid, which is acidic and polar, at codon 511 of the NLRP1 protein (p.Lys511Glu). This variant is present in population databases (rs202109570, gnomAD 0.02%). This variant has not been reported in the literature in individuals affected with NLRP1-related conditions. ClinVar contains an entry for this variant (Variation ID: 624090). An algorithm developed to predict the effect of missense changes on protein structure and function (PolyPhen-2) suggests that this variant is likely to be tolerated. In summary, the available evidence is currently insufficient to determine the role of this variant in disease. Therefore, it has been classified as a Variant of Uncertain Significance.

Ambry Genetics
Classification: Uncertain significance for Inborn genetic diseases. Last evaluated: 2025-04-13. Review status: criteria provided, single submitter. Criteria: Ambry Variant Classification Scheme 2023. Collection method: clinical testing. Allele origin: germline.

PreventionGenetics, part of Exact Sciences
Classification: Uncertain significance for NLRP1-related condition. Last evaluated: 2024-12-11. Review status: criteria provided, single submitter. Criteria: ACMG Guidelines, 2015. Collection method: clinical testing. Allele origin: germline.
Comment: The NLRP1 c.1531A>G variant is predicted to result in the amino acid substitution p.Lys511Glu. To our knowledge, this variant has not been reported in the literature. This variant is reported in 0.022% of alleles in individuals of European (Non-Finnish) descent in gnomAD. At this time, the clinical significance of this variant is uncertain due to the absence of conclusive functional and genetic evidence.

Mayo Clinic Laboratories, Mayo Clinic
Classification: Uncertain significance. Last evaluated: 2024-09-05. Review status: criteria provided, single submitter. Criteria: ACMG Guidelines, 2015. Collection method: clinical testing. Allele origin: germline. Observed: 1 variant allele.
Comment: BP4

CeGaT Center for Human Genetics Tuebingen
Classification: Uncertain significance. Last evaluated: 2018-07-01. Review status: criteria provided, single submitter. Criteria: CeGaT Center For Human Genetics Tuebingen Variant Classification Criteria Version 2. Collection method: clinical testing. Allele origin: germline. Affected: yes. Observed: 1 variant allele.

Literature cited by the submitters: PubMed 38684849 (cited by Women's Health and Genetics/Laboratory Corporation of America, LabCorp).